The following is an entry in ClinVar:

ClinVar aggregate classification (germline): Uncertain significance (1 of 4 stars; one submission).

gnomAD v4.1: 1 of 1,613,970 alleles (0.000062%); no homozygotes.

Submission:

Ambry Genetics
Classification: Uncertain significance. Last evaluated: 2024-04-26. Review status: criteria provided, single submitter. Criteria: Ambry Variant Classification Scheme 2023. Collection method: clinical testing. Allele origin: germline.
Comment: The p.H614R variant (also known as c.1841A>G), located in coding exon 13 of the NPAT gene, results from an A to G substitution at nucleotide position 1841. The histidine at codon 614 is replaced by arginine, an amino acid with highly similar properties. This amino acid position is conserved. In addition, this alteration is predicted to be tolerated by in silico analysis. Since supporting evidence is limited at this time, the clinical significance of this alteration remains unclear.

NM_002519.3(NPAT):c.1841A>G (p.His614Arg)

Gene: NPAT (nuclear protein, coactivator of histone transcription; minus strand). Cytogenetic location: 11q22.3.
Variant type: single nucleotide variant.
Coding change: c.1841A>G on transcript NM_002519.3 (MANE Select); coding-DNA position 1841, A replaced by G.
Protein change: p.His614Arg; replaces histidine 614 with arginine.
Molecular consequence: missense variant.
Genome position (GRCh38, 1-based): chr11:108,173,143, T>C on the plus strand (A>G on the coding strand, the complement: NPAT is on the minus strand). VCF-style: chr11-108173143-T-C. GRCh37 (hg19) VCF-style: chr11-108043870-T-C.
Other names: c.1841A>G, p.His614Arg (NM_001321307.1); short protein forms H614R.
Identifiers: ClinVar variation 1781164 (VCV001781164.3), dbSNP rs1485968519, ClinGen allele CA382514238.